The following is an entry in ClinVar:

NM_000038.6(APC):c.3169G>A (p.Glu1057Lys)

Gene: APC (APC regulator of Wnt signaling pathway; plus strand). Cytogenetic location: 5q22.2.
Variant type: single nucleotide variant.
Coding change: c.3169G>A on transcript NM_000038.6 (MANE Select); coding-DNA position 3169, G replaced by A.
Protein change: p.Glu1057Lys; replaces glutamic acid 1057 with lysine.
Molecular consequence: missense variant.
Genome position (GRCh38, 1-based): chr5:112,838,763, G>A. VCF-style: chr5-112838763-G-A. GRCh37 (hg19) VCF-style: chr5-112174460-G-A.
Other names: c.3169G>A, p.Glu1057Lys (NM_001127510.3, NM_001354895.2); c.3115G>A, p.Glu1039Lys (NM_001127511.3); c.3223G>A, p.Glu1075Lys (NM_001354896.2); c.3199G>A, p.Glu1067Lys (NM_001354897.2); c.3094G>A, p.Glu1032Lys (NM_001354898.2); c.3085G>A, p.Glu1029Lys (NM_001354899.2); c.3046G>A, p.Glu1016Lys (NM_001354900.2); c.2992G>A, p.Glu998Lys (NM_001354901.2); and 5 more; short protein forms E1032K, E1075K, E956K, E998K, E1016K, E1067K, E774K, E931K.
Identifiers: ClinVar variation 923029 (VCV000923029.3), dbSNP rs1765351095, ClinGen allele CA16028276.
Genomic context (GRCh38, chr5:112,838,763, plus strand): 5'-AACTCTGGAAGGCAAAGTCCTTCACAGAATGAAAGATGGGCAAGACCCAAACACATAATA[G>A]AAGATGAAATAAAACAAAGTGAGCAAAGACAATCAAGGAATCAAAGTACAACTTATCCTG-3'
Protein context (NP_000029.2, residues 1047-1067): ERWARPKHII[Glu1057Lys]DEIKQSEQRQ

ClinVar aggregate classification (germline): Uncertain significance (1 of 4 stars; one submission).

Conditions:
Hereditary cancer-predisposing syndrome. Also called: Neoplastic Syndromes, Hereditary; Tumor predisposition; Hereditary Cancer Syndrome; Hereditary neoplastic syndrome. Identifiers: Orphanet 140162, MedGen C0027672, MeSH D009386, MONDO:0015356.

Submission:

Color Diagnostics, LLC DBA Color Health
Classification: Uncertain significance for Hereditary cancer-predisposing syndrome. Last evaluated: 2019-12-05. Review status: criteria provided, single submitter. Criteria: ACMG Guidelines, 2015. Collection method: clinical testing. Allele origin: germline.
Comment: This missense variant replaces glutamic acid with lysine at codon 1057 of the APC protein. Computational prediction suggests that this variant may not impact protein structure and function (internally defined REVEL score threshold <= 0.5, PMID: 27666373). Splice site prediction tools suggest that this variant may not impact RNA splicing. To our knowledge, functional studies have not been performed for this variant. This variant has not been reported in individuals affected with hereditary cancer in the literature. This variant has not been identified in the general population by the Genome Aggregation Database (gnomAD). The available evidence is insufficient to determine the role of this variant in disease conclusively. Therefore, this variant is classified as a Variant of Uncertain Significance.